The following is an entry in ClinVar:

ClinVar aggregate classification (germline): Uncertain significance. Review status: criteria provided, multiple submitters, no conflicts (2 of 4 stars). 2 submissions from 2 submitters: Uncertain significance (2). Last evaluated 2024-10-28.

Conditions:
Metachromatic leukodystrophy (MLD). Also called: ARSA DEFICIENCY; Arylsulfatase A Deficiency; SULFATIDE LIPIDOSIS; CEREBROSIDE SULFATASE DEFICIENCY; METACHROMATIC LEUKOENCEPHALOPATHY; Cerebral sclerosis diffuse metachromatic form. Identifiers: Orphanet 512, MedGen C0023522, MONDO:0018868, OMIM 250100.

Allele frequency attached by ClinVar (database versions not stated): gnomAD 0.00001; TOPMed 0.00002.

Submissions (2):

Labcorp Genetics (formerly Invitae), Labcorp
Classification: Uncertain significance for Metachromatic leukodystrophy. Last evaluated: 2024-10-28. Review status: criteria provided, single submitter. Criteria: Invitae Variant Classification Sherloc (09022015). Collection method: clinical testing. Allele origin: germline.
Comment: This sequence change replaces valine, which is neutral and non-polar, with alanine, which is neutral and non-polar, at codon 472 of the ARSA protein (p.Val472Ala). This variant is not present in population databases (gnomAD no frequency). This variant has not been reported in the literature in individuals affected with ARSA-related conditions. ClinVar contains an entry for this variant (Variation ID: 1401713). Invitae Evidence Modeling of protein sequence and biophysical properties (such as structural, functional, and spatial information, amino acid conservation, physicochemical variation, residue mobility, and thermodynamic stability) has been performed for this missense variant. However, the output from this modeling did not meet the statistical confidence thresholds required to predict the impact of this variant on ARSA protein function. In summary, the available evidence is currently insufficient to determine the role of this variant in disease. Therefore, it has been classified as a Variant of Uncertain Significance.

Blueprint Genetics
Classification: Uncertain significance. Last evaluated: 2024-10-15. Review status: criteria provided, single submitter. Criteria: ACMG Guidelines, 2015. Collection method: clinical testing. Allele origin: germline.

NM_000487.6(ARSA):c.1415T>C (p.Val472Ala)

Gene: ARSA (arylsulfatase A; minus strand). Cytogenetic location: 22q13.33.
Variant type: single nucleotide variant.
Coding change: c.1415T>C on transcript NM_000487.6 (MANE Select); coding-DNA position 1415, T replaced by C.
Protein change: p.Val472Ala; replaces valine 472 with alanine.
Molecular consequence: missense variant.
Genome position (GRCh38, 1-based): chr22:50,625,260, A>G on the plus strand (T>C on the coding strand, the complement: ARSA is on the minus strand). VCF-style: chr22-50625260-A-G. GRCh37 (hg19) VCF-style: chr22-51063688-A-G.
Other names: c.1415T>C, p.Val472Ala (NM_001085425.3, NM_001085426.3, NM_001085427.3); c.1157T>C, p.Val386Ala (NM_001085428.3, NM_001362782.2); short protein forms V472A, V386A.
Identifiers: ClinVar variation 1401713 (VCV001401713.7), dbSNP rs978574508, ClinGen allele CA325531198.